The following is an entry in ClinVar:

NM_003922.4(HERC1):c.2427G>A (p.Gly809=)

Gene: HERC1 (HECT and RLD domain containing E3 ubiquitin protein ligase family member 1; minus strand). Cytogenetic location: 15q22.31.
Variant type: single nucleotide variant.
Coding change: c.2427G>A on transcript NM_003922.4 (MANE Select); coding-DNA position 2427, G replaced by A.
Protein change: p.Gly809=; no amino-acid change (glycine 809 retained).
Molecular consequence: synonymous variant.
Genome position (GRCh38, 1-based): chr15:63,747,011, C>T on the plus strand (G>A on the coding strand, the complement: HERC1 is on the minus strand). VCF-style: chr15-63747011-C-T. GRCh37 (hg19) VCF-style: chr15-64039210-C-T.
Identifiers: ClinVar variation 1623314 (VCV001623314.28), dbSNP rs200386807, ClinGen allele CA7606276.
Genomic context (GRCh38, chr15:63,747,011, plus strand): 5'-CAGTCTGAAGAGCAAATTTCGAAGTGGACCTGCCTGCCTCCCGAGAATGCTGGTAGCTAC[C>T]CCTCCCGCAAGTGCAAGAGCAAGGTGATTTGAAAGTAGCTTCAGGCACAGCTTGAGAAAA-3'
Protein context (NP_003913.3, residues 799-819): SNHLALALAG[Gly809=]VATSILGRQA

ClinVar aggregate classification (germline): Likely benign. Review status: criteria provided, multiple submitters, no conflicts (2 of 4 stars). 2 submissions from 2 submitters: Likely benign (2). Last evaluated 2024-04-01.

Allele frequency attached by ClinVar (database versions not stated): gnomAD exomes 0.00003 and 0.00006; ESP Exome Variant Server 0.00008; ExAC 0.00018; gnomAD 0.00028 and 0.00030; TOPMed 0.00036; 1000 Genomes Project 30x 0.00047; 1000 Genomes Project 0.00060.
gnomAD v4.1: 81 of 1,585,122 alleles (0.0051%); highest among the groups gnomAD compares: African/African-American, 0.1%; no homozygotes.

Submissions (2):

CeGaT Center for Human Genetics Tuebingen
Classification: Likely benign. Last evaluated: 2024-04-01. Review status: criteria provided, single submitter. Criteria: CeGaT Center For Human Genetics Tuebingen Variant Classification Criteria Version 2. Collection method: clinical testing. Allele origin: germline. Affected: yes. Observed: 1 variant allele.
Comment: HERC1: BP4, BP7

Labcorp Genetics (formerly Invitae), Labcorp
Classification: Likely benign. Last evaluated: 2023-12-11. Review status: criteria provided, single submitter. Criteria: Invitae Variant Classification Sherloc (09022015). Collection method: clinical testing. Allele origin: germline.